The following is an entry in ClinVar:

ClinVar aggregate classification (germline): Uncertain significance (1 of 4 stars; one submission).

Submission:

Cytogenetics Laboratory, University of Washington
Classification: Uncertain significance. Last evaluated: 2015-10-28. Review status: criteria provided, single submitter. Criteria: UW Cytogenetics and Genomics Laboratory Policy on CNV Interpretation (5/6/2015). Collection method: clinical testing. Allele origin: unknown. Affected: yes. Observed: 1 variant allele.

GRCh37/hg19 Xp22.31(chrX:7449660-8150511)x2

Genes: PNPLA4 (patatin like domain 4, phospholipase and triacylglycerol lipase; minus strand), VCX (variable charge X-linked; plus strand), VCX2 (variable charge X-linked 2; minus strand). Cytogenetic location: Xp22.31.
Variant type: copy number gain.
Change: copy number 2 of chrX:7,449,660-8,150,511 (700.9 kb, GRCh37 coordinates, 1-based), cytogenetic band Xp22.31.
Identifiers: ClinVar variation 219046 (VCV000219046.5).